The following is an entry in ClinVar:

ClinVar aggregate classification (germline): Likely pathogenic (1 of 4 stars; one submission).

Conditions:
Neuronopathy, distal hereditary motor, autosomal recessive 5. Also called: Spinal muscular atrophy, distal, autosomal recessive, 5; Young adult-onset distal hereditary motor neuropathy; NEUROPATHY, DISTAL HEREDITARY MOTOR, AUTOSOMAL RECESSIVE 5. Identifiers: Orphanet 314485, Orphanet 443950, MedGen C4749918, MONDO:0013947, OMIM 614881.

Submission:

Genetic Diseases Diagnostic Center, Koc University Hospital
Classification: Likely pathogenic for Neuronopathy, distal hereditary motor, autosomal recessive 5. Last evaluated: 2026-01-31. Review status: criteria provided, single submitter. Criteria: ACMG Guidelines, 2015. Collection method: clinical testing. Allele origin: biparental. Inheritance: Autosomal recessive inheritance. Affected: yes.
Comment: The DNAJB2 variant c.176-2A>G affects a canonical splice site, and it is predicted to disrupt the highly conserved acceptor splice site. Loss of function is a known mechanism of disease for the DNAJB2-related phenotype (OMIM 614881) (PVS1). It has not been reported in gnomAD population database (PM2). Based on the ACMG/AMP criteria, this variant is classified as likely pathogenic with a very strong (PVS1) and a moderate (PM2) criterion.

NM_006736.6(DNAJB2):c.176-2A>G

Gene: DNAJB2 (DnaJ heat shock protein family (Hsp40) member B2; plus strand). Cytogenetic location: 2q35.
Variant type: single nucleotide variant.
Coding change: c.176-2A>G on transcript NM_006736.6 (MANE Select); the canonical splice acceptor site of the intron before coding-DNA position 176, A replaced by G.
Molecular consequence: splice acceptor variant.
Genome position (GRCh38, 1-based): chr2:219,281,716, A>G. VCF-style: chr2-219281716-A-G. GRCh37 (hg19) VCF-style: chr2-220146438-A-G.
Other names: c.176-2A>G (NM_001039550.2).
Identifiers: ClinVar variation 4795860 (VCV004795860.1).